The following is an entry in ClinVar:

NM_012310.5(KIF4A):c.3178G>C (p.Gly1060Arg)

Gene: KIF4A (kinesin family member 4A; plus strand). Cytogenetic location: Xq13.1.
Variant type: single nucleotide variant.
Coding change: c.3178G>C on transcript NM_012310.5 (MANE Select); coding-DNA position 3178, G replaced by C.
Protein change: p.Gly1060Arg; replaces glycine 1060 with arginine.
Molecular consequence: missense variant.
Genome position (GRCh38, 1-based): chrX:70,406,998, G>C. VCF-style: chrX-70406998-G-C. GRCh37 (hg19) VCF-style: chrX-69626848-G-C.
Other names: short protein forms G1060R.
Identifiers: ClinVar variation 2573651 (VCV002573651.1), dbSNP rs1347491581, ClinGen allele CA413476722.

ClinVar aggregate classification (germline): Uncertain significance (1 of 4 stars; one submission).

Allele frequency attached by ClinVar (database versions not stated): gnomAD exomes below 0.00001.
gnomAD v4.1: 1 of 1,210,889 alleles (0.000083%); highest among the groups gnomAD compares: Admixed American, 0.0022%; no homozygotes.

Submission:

GeneDx
Classification: Uncertain significance. Last evaluated: 2023-01-23. Review status: criteria provided, single submitter. Criteria: GeneDx Variant Classification Process June 2021. Collection method: clinical testing. Allele origin: germline. Affected: yes.
Comment: In silico analysis supports that this missense variant does not alter protein structure/function; Has not been previously published as pathogenic or benign to our knowledge